The following is an entry in ClinVar:

NM_000051.4(ATM):c.5227A>G (p.Thr1743Ala)

Gene: ATM (ATM serine/threonine kinase; plus strand). Cytogenetic location: 11q22.3.
Variant type: single nucleotide variant.
Coding change: c.5227A>G on transcript NM_000051.4 (MANE Select); coding-DNA position 5227, A replaced by G.
Protein change: p.Thr1743Ala; replaces threonine 1743 with alanine.
Molecular consequence: missense variant.
Genome position (GRCh38, 1-based): chr11:108,301,697, A>G. VCF-style: chr11-108301697-A-G. GRCh37 (hg19) VCF-style: chr11-108172424-A-G.
Other names: c.5227A>G, p.Thr1743Ala (NM_001351834.2); short protein forms T1743A.
Identifiers: ClinVar variation 453566 (VCV000453566.15), dbSNP rs758924620, ClinGen allele CA6265664.

ClinVar aggregate classification (germline): Uncertain significance. Review status: criteria provided, multiple submitters, no conflicts (2 of 4 stars). 4 submissions from 4 submitters: Uncertain significance (4). Last evaluated 2025-09-22.

Conditions:
Hereditary cancer-predisposing syndrome. Also called: Tumor predisposition; Hereditary Cancer Syndrome; Neoplastic Syndromes, Hereditary; Hereditary neoplastic syndrome. Identifiers: Orphanet 140162, MedGen C0027672, MeSH D009386, MONDO:0015356.
Ataxia-telangiectasia syndrome (AT). Also called: Cerebello-oculocutaneous telangiectasia; Immunodeficiency with ataxia telangiectasia; Ataxia-telangiectasia, complementation group D; AT, COMPLEMENTATION GROUP C; Ataxia-telangiectasia, complementation group E; LOUIS-BAR SYNDROME. Identifiers: Orphanet 100, MedGen C0004135, MONDO:0008840, OMIM 208900.
Familial cancer of breast. Also called: Hereditary breast cancer; hereditary breast carcinoma; BREAST CANCER, FAMILIAL. Identifiers: Orphanet 227535, MedGen C0346153, MONDO:0016419, OMIM 114480. Disease mechanism: loss of function.

gnomAD v4.1: 2 of 1,613,796 alleles (0.00012%); highest among the groups gnomAD compares: South Asian, 0.0011%; no homozygotes.

Submissions (4):

Ambry Genetics
Classification: Uncertain significance for Hereditary cancer-predisposing syndrome. Last evaluated: 2025-09-22. Review status: criteria provided, single submitter. Criteria: Ambry Variant Classification Scheme 2023. Collection method: clinical testing. Allele origin: germline.
Comment: The p.T1743A variant (also known as c.5227A>G), located in coding exon 34 of the ATM gene, results from an A to G substitution at nucleotide position 5227. The threonine at codon 1743 is replaced by alanine, an amino acid with similar properties. This amino acid position is highly conserved in available vertebrate species. In addition, the in silico prediction for this alteration is inconclusive. Based on the available evidence, the clinical significance of this variant remains unclear.

Labcorp Genetics (formerly Invitae), Labcorp
Classification: Uncertain significance for Ataxia-telangiectasia syndrome. Last evaluated: 2025-05-13. Review status: criteria provided, single submitter. Criteria: Invitae Variant Classification Sherloc (09022015). Collection method: clinical testing. Allele origin: germline.
Comment: This sequence change replaces threonine, which is neutral and polar, with alanine, which is neutral and non-polar, at codon 1743 of the ATM protein (p.Thr1743Ala). This variant is present in population databases (rs758924620, gnomAD 0.0009%). This variant has not been reported in the literature in individuals affected with ATM-related conditions. ClinVar contains an entry for this variant (Variation ID: 453566). Invitae Evidence Modeling of protein sequence and biophysical properties (such as structural, functional, and spatial information, amino acid conservation, physicochemical variation, residue mobility, and thermodynamic stability) indicates that this missense variant is not expected to disrupt ATM protein function with a negative predictive value of 95%. This variant disrupts the p.Thr1743 amino acid residue in ATM. Other variant(s) that disrupt this residue have been determined to be pathogenic (PMID: 9463314, 19147735, 19431188, 21792198, 31921190). This suggests that this residue is clinically significant, and that variants that disrupt this residue are likely to be disease-causing. In summary, the available evidence is currently insufficient to determine the role of this variant in disease. Therefore, it has been classified as a Variant of Uncertain Significance.

KCCC/NGS Laboratory, Kuwait Cancer Control Center
Classification: Uncertain significance for Familial cancer of breast. Last evaluated: 2024-12-16. Review status: criteria provided, single submitter. Criteria: ACMG Guidelines, 2015. Collection method: clinical testing. Allele origin: germline. Inheritance: Autosomal dominant inheritance. Affected: yes. Observed: 1 heterozygote.
Comment: This sequence change replaces threonine, which is neutral and polar, with alanine, which is neutral and non-polar, at codon 1743 of the ATM protein (p.Thr1743Ala).This variant has not been reported in the literature in individuals affected with ATM-related conditions. This variant is present in population databases (rs758924620, gnomAD 0.0009%). ClinVar contains an entry for this variant (Variation ID: 453566).This variant disrupts the p.Thr1743 amino acid residue in ATM. Other variant(s) that disrupt this residue have been determined to be pathogenic (PMID: 9463314, 19147735, 19431188, 21792198, 31921190).This suggests that this residue is clinically significant, and that variants that disrupt this residue are likely to be disease-causing.In summary, the available evidence is currently insufficient to determine the role of this variant in disease. Therefore, it has been classified as a Variant of Uncertain

Color Diagnostics, LLC DBA Color Health
Classification: Uncertain significance for Hereditary cancer-predisposing syndrome. Last evaluated: 2019-06-22. Review status: criteria provided, single submitter. Criteria: ACMG Guidelines, 2015. Collection method: clinical testing. Allele origin: germline.

Literature cited by the submitters: PubMed 9463314 (cited by Labcorp Genetics (formerly Invitae), Labcorp); PubMed 19147735 (cited by Labcorp Genetics (formerly Invitae), Labcorp); PubMed 19431188 (cited by Labcorp Genetics (formerly Invitae), Labcorp); PubMed 21792198 (cited by Labcorp Genetics (formerly Invitae), Labcorp); PubMed 31921190 (cited by Labcorp Genetics (formerly Invitae), Labcorp).